The following is an entry in ClinVar:

ClinVar aggregate classification (germline): Uncertain significance (1 of 4 stars; one submission).

Allele frequency attached by ClinVar (database versions not stated): gnomAD exomes below 0.00001; ExAC 0.00001.

Submission:

Labcorp Genetics (formerly Invitae), Labcorp
Classification: Uncertain significance. Last evaluated: 2023-02-27. Review status: criteria provided, single submitter. Criteria: Invitae Variant Classification Sherloc (09022015). Collection method: clinical testing. Allele origin: germline.
Comment: In summary, the available evidence is currently insufficient to determine the role of this variant in disease. Therefore, it has been classified as a Variant of Uncertain Significance. Advanced modeling of protein sequence and biophysical properties (such as structural, functional, and spatial information, amino acid conservation, physicochemical variation, residue mobility, and thermodynamic stability) has been performed at Invitae for this missense variant, however the output from this modeling did not meet the statistical confidence thresholds required to predict the impact of this variant on SRCAP protein function. This variant has not been reported in the literature in individuals affected with SRCAP-related conditions. This variant is present in population databases (rs765805266, gnomAD 0.01%). This sequence change replaces valine, which is neutral and non-polar, with methionine, which is neutral and non-polar, at codon 2746 of the SRCAP protein (p.Val2746Met).

NM_006662.3(SRCAP):c.8236G>A (p.Val2746Met)

Gene: SRCAP (Snf2 related CREBBP activator protein; plus strand). Cytogenetic location: 16p11.2.
Variant type: single nucleotide variant.
Coding change: c.8236G>A on transcript NM_006662.3 (MANE Select); coding-DNA position 8236, G replaced by A.
Protein change: p.Val2746Met; replaces valine 2746 with methionine.
Molecular consequence: missense variant.
Genome position (GRCh38, 1-based): chr16:30,738,276, G>A. VCF-style: chr16-30738276-G-A. GRCh37 (hg19) VCF-style: chr16-30749597-G-A.
Other names: short protein forms V2746M.
Identifiers: ClinVar variation 2968202 (VCV002968202.3), dbSNP rs765805266, ClinGen allele CA8012646.